The following is an entry in ClinVar:

ClinVar aggregate classification (germline): Uncertain significance (3 of 4 stars; one submission).

Conditions:
Monogenic diabetes. Identifiers: Orphanet 183625, MedGen C3888631, MONDO:0015967.

Submission:

ClinGen Monogenic Diabetes Variant Curation Expert Panel
Classification: Uncertain significance for Monogenic diabetes. Last evaluated: 2025-07-24. Review status: reviewed by expert panel. Criteria: ClinGen Diabetes ACMG Specifications HNF1A V3.0.0. Collection method: curation. Allele origin: germline. Inheritance: Autosomal dominant inheritance.
Comment: The c.368T>G variant in the HNF1 homeobox A gene, HNF1A, causes an amino acid change of leucine to arginine at codon 123 (p.(Leu123Arg)) of NM_000545.8. This variant is located within a conserved region of the DNA binding domain (codons 107-174 and 201-280) of HNF1A, which is defined as critical for the protein’s function by the ClinGen MDEP (PM1_Supporting). It is also predicted to be deleterious by computational evidence, with a REVEL score of 0.963, which is greater than the MDEP VCEP threshold of 0.70 (PP3). This variant is absent in gnomAD v4.1.0 (PM2_Supporting), and was identified in one individual with non-autoimmune and non-absolute/near-absolute insulin-deficient diabetes; however, PS4_Moderate cannot be applied because this number is below the ClinGen MDEP threshold (internal lab contributor). This individual has a clinical history suggestive of HNF1A-MODY (MODY probability calculator result >50%); however, HNF4A was not tested (internal lab contributor). Another missense variant at the same amino acid position, c.367C>G (p.Leu123Val), has been classified as likely pathogenic by the ClinGen MDEP (PM5_Supporting). In summary, the c.368T>G variant meets the criteria to be classified as a variant of uncertain significance for monogenic diabetes. ACMG/AMP criteria applied, as specified by the ClinGen MDEP (specification version 3.0.0, approved 6/30/2025): PP3, PM1_Supporting, PM2_Supporting, PM5_Supporting.

NM_000545.8(HNF1A):c.368T>G (p.Leu123Arg)

Gene: HNF1A (HNF1 homeobox A; plus strand). Cytogenetic location: 12q24.31.
Variant type: single nucleotide variant.
Coding change: c.368T>G on transcript NM_000545.8 (MANE Select); coding-DNA position 368, T replaced by G.
Protein change: p.Leu123Arg; replaces leucine 123 with arginine.
Molecular consequence: missense variant.
Genome position (GRCh38, 1-based): chr12:120,988,874, T>G. VCF-style: chr12-120988874-T-G. GRCh37 (hg19) VCF-style: chr12-121426677-T-G.
Other names: NM_001306179.2:c.368T>G; c.368T>G, p.Leu123Arg (NM_001306179.2); short protein forms L123R.
Identifiers: ClinVar variation 1327614 (VCV001327614.4), dbSNP rs2135832538, ClinGen allele CA386959154.